The following is an entry in ClinVar:

NM_004523.4(KIF11):c.749T>C (p.Ile250Thr)

Gene: KIF11 (kinesin family member 11; plus strand). Cytogenetic location: 10q23.33.
Variant type: single nucleotide variant.
Coding change: c.749T>C on transcript NM_004523.4 (MANE Select); coding-DNA position 749, T replaced by C.
Protein change: p.Ile250Thr; replaces isoleucine 250 with threonine.
Molecular consequence: missense variant.
Genome position (GRCh38, 1-based): chr10:92,613,090, T>C. VCF-style: chr10-92613090-T-C. GRCh37 (hg19) VCF-style: chr10-94372847-T-C.
Other names: short protein forms I250T.
Identifiers: ClinVar variation 840589 (VCV000840589.36), dbSNP rs201865099, ClinGen allele CA5604063.

ClinVar aggregate classification (germline): Conflicting classifications of pathogenicity. Review status: criteria provided, conflicting classifications (1 of 4 stars). 5 submissions from 5 submitters: Uncertain significance (3); Likely benign (2). Last evaluated 2026-08-20.

Conditions:
KIF11-related disorder. Also called: KIF11-related condition.
Hereditary ataxia. Also called: Hereditary Ataxias. Identifiers: Orphanet 183518, MedGen C0004138, MONDO:0100309, MONDO:0000557.

Allele frequency attached by ClinVar (database versions not stated): ExAC 0.00003; gnomAD exomes 0.00006 and 0.00019; ESP Exome Variant Server 0.00008; gnomAD 0.00011; TOPMed 0.00011.
gnomAD v4.1: 298 of 1,612,552 alleles (0.018%); highest among the groups gnomAD compares: Non-Finnish European, 0.023%; no homozygotes.

Submissions (5):

PreventionGenetics, part of Exact Sciences
Classification: Uncertain significance for KIF11-related condition. Last evaluated: 2026-08-20. Review status: criteria provided, single submitter. Criteria: ACMG Guidelines, 2015. Collection method: clinical testing. Allele origin: germline.
Comment: The KIF11 c.749T>C variant is predicted to result in the amino acid substitution p.Ile250Thr. To our knowledge, this variant has not been reported in the literature. This variant is reported in 0.012% of alleles in individuals of European (Non-Finnish) descent in gnomAD. Although we suspect that this variant may be benign, at this time, the clinical significance of this variant is uncertain due to the absence of conclusive functional and genetic evidence.

Labcorp Genetics (formerly Invitae), Labcorp
Classification: Likely benign. Last evaluated: 2025-12-29. Review status: criteria provided, single submitter. Criteria: Invitae Variant Classification Sherloc (09022015). Collection method: clinical testing. Allele origin: germline.

CeGaT Center for Human Genetics Tuebingen
Classification: Uncertain significance. Last evaluated: 2023-10-01. Review status: criteria provided, single submitter. Criteria: CeGaT Center For Human Genetics Tuebingen Variant Classification Criteria Version 2. Collection method: clinical testing. Allele origin: germline. Affected: yes. Observed: 1 variant allele.

Blueprint Genetics
Classification: Likely benign. Last evaluated: 2022-11-15. Review status: criteria provided, single submitter. Criteria: ACMG Guidelines, 2015. Collection method: clinical testing. Allele origin: germline.

Cambridge Genomics Laboratory, East Genomic Laboratory Hub, NHS Genomic Medicine Service
Classification: Uncertain significance for Hereditary ataxia. Last evaluated: 2019-10-29. Review status: criteria provided, single submitter. Criteria: ACGS Best Practice Guidelines for Variant Classification in Rare Disease 2020. Collection method: clinical testing. Allele origin: germline. Affected: yes. Observed: 1 variant allele.